The following is an entry in ClinVar:

ClinVar aggregate classification (germline): Conflicting classifications of pathogenicity. Review status: criteria provided, conflicting classifications (1 of 4 stars). 2 submissions from 2 submitters: Uncertain significance (1); Likely benign (1). Last evaluated 2023-03-23.

Conditions:
Hereditary cancer-predisposing syndrome. Also called: Hereditary neoplastic syndrome; Hereditary Cancer Syndrome; Neoplastic Syndromes, Hereditary; Tumor predisposition. Identifiers: Orphanet 140162, MedGen C0027672, MeSH D009386, MONDO:0015356.
Hereditary breast ovarian cancer syndrome. Also called: Hereditary breast and ovarian cancer syndrome; BRCA1- and BRCA2-Associated Hereditary Breast and Ovarian Cancer; Breast and ovarian cancer; Hereditary breast and/or ovarian cancer syndrome; Hereditary breast and ovarian cancer syndrome (HBOC); Hereditary breast and ovarian cancer. Identifiers: Orphanet 145, MedGen C0677776, MeSH D061325, MONDO:0003582. Disease mechanism: loss of function.

Submissions (2):

University of Washington Department of Laboratory Medicine, University of Washington
Classification: Likely benign for Hereditary cancer-predisposing syndrome. Last evaluated: 2023-03-23. Review status: criteria provided, single submitter. Criteria: Dines et al. (Genet Med. 2020). Collection method: curation. Allele origin: germline.
Comment: Missense variant in a coldspot region where missense variants are very unlikely to be pathogenic (PMID:31911673).

BRCA1 coldspot (exon 11 using historical exon numbering). Reclassification based on statistical prior probability

Labcorp Genetics (formerly Invitae), Labcorp
Classification: Uncertain significance for Hereditary breast ovarian cancer syndrome. Last evaluated: 2021-07-01. Review status: criteria provided, single submitter. Criteria: Invitae Variant Classification Sherloc (09022015). Collection method: clinical testing. Allele origin: germline.
Comment: Advanced modeling of protein sequence and biophysical properties (such as structural, functional, and spatial information, amino acid conservation, physicochemical variation, residue mobility, and thermodynamic stability) performed at Invitae indicates that this missense variant is not expected to disrupt BRCA1 protein function. In summary, the available evidence is currently insufficient to determine the role of this variant in disease. Therefore, it has been classified as a Variant of Uncertain Significance. This variant has not been reported in the literature in individuals affected with BRCA1-related conditions. This variant is not present in population databases (ExAC no frequency). This sequence change replaces glutamic acid with aspartic acid at codon 1148 of the BRCA1 protein (p.Glu1148Asp). The glutamic acid residue is moderately conserved and there is a small physicochemical difference between glutamic acid and aspartic acid.

NM_007294.4(BRCA1):c.3444G>C (p.Glu1148Asp)

Genes: BRCA1 (BRCA1 DNA repair associated; minus strand), LOC126862571 (BRD4-independent group 4 enhancer GRCh37_chr17:41243136-41244335; plus strand). Cytogenetic location: 17q21.31.
Variant type: single nucleotide variant.
Coding change: c.3444G>C on transcript NM_007294.4 (MANE Select); coding-DNA position 3444, G replaced by C.
Protein change: p.Glu1148Asp; replaces glutamic acid 1148 with aspartic acid.
Molecular consequence: missense variant. On other transcripts: intron variant (135).
Genome position (GRCh38, 1-based): chr17:43,092,087, C>G on the plus strand (G>C on the coding strand, the complement: BRCA1 is on the minus strand). VCF-style: chr17-43092087-C-G. GRCh37 (hg19) VCF-style: chr17-41244104-C-G.
Other names: c.3231G>C, p.Glu1077Asp (NM_001407571.1, NM_001407853.1, NM_001407894.1 and 9 more transcripts); c.3444G>C, p.Glu1148Asp (NM_001407581.1, NM_001407582.1, NM_001407583.1 and 30 more transcripts); c.3441G>C, p.Glu1147Asp (NM_001407587.1, NM_001407590.1, NM_001407591.1 and 22 more transcripts); c.3435G>C, p.Glu1145Asp (NM_001407646.1, NM_001407647.1); c.3321G>C, p.Glu1107Asp (NM_001407648.1, NM_001407664.1, NM_001407665.1 and 19 more transcripts); c.3318G>C, p.Glu1106Asp (NM_001407649.1, NM_001407670.1, NM_001407671.1 and 11 more transcripts); c.3366G>C, p.Glu1122Asp (NM_001407653.1, NM_001407654.1, NM_001407655.1 and 4 more transcripts); c.3363G>C, p.Glu1121Asp (NM_001407659.1, NM_001407660.1, NM_001407661.1 and 1 more transcripts); and 41 more; short protein forms E1101D, E1148D, E1060D, E1077D, E1145D, E852D, E980D, E1021D.
Identifiers: ClinVar variation 1403802 (VCV001403802.13), dbSNP rs2154315177, ClinGen allele CA10595096.
Genomic context (GRCh38, chr17:43,092,087, plus strand): 5'-ATTTTCAGCAAAACTAGTATCTTCCTTTATTTCACCATCATCTAACAGGTCATCAGGTGT[C>G]TCAGAACAAACCTGAGATGCATGACTACTTCCCATAGGCTGTTCTAAGTTATCTGAAATC-3'
Protein context (NP_009225.1, residues 1138-1158): GSSHASQVCS[Glu1148Asp]TPDDLLDDGE